The following is an entry in ClinVar:

ClinVar aggregate classification (germline): Uncertain significance (1 of 4 stars; one submission).

Allele frequency attached by ClinVar (database versions not stated): gnomAD exomes below 0.00001.
gnomAD v4.1: 1 of 1,614,144 alleles (0.000062%); highest among the groups gnomAD compares: Non-Finnish European, 0.000085%; no homozygotes.

Submission:

GeneDx
Classification: Uncertain significance. Last evaluated: 2022-06-07. Review status: criteria provided, single submitter. Criteria: GeneDx Variant Classification Process June 2021. Collection method: clinical testing. Allele origin: germline. Affected: yes.
Comment: Not observed at significant frequency in large population cohorts (gnomAD); In silico analysis supports that this missense variant has a deleterious effect on protein structure/function; Has not been previously published as pathogenic or benign to our knowledge

NM_078470.6(COX15):c.969G>T (p.Gln323His)

Gene: COX15 (cytochrome c oxidase assembly homolog COX15; minus strand). Cytogenetic location: 10q24.2.
Variant type: single nucleotide variant.
Coding change: c.969G>T on transcript NM_078470.6 (MANE Select); coding-DNA position 969, G replaced by T.
Protein change: p.Gln323His; replaces glutamine 323 with histidine.
Molecular consequence: missense variant. On other transcripts: intron variant (2).
Genome position (GRCh38, 1-based): chr10:99,718,364, C>A on the plus strand (G>T on the coding strand, the complement: COX15 is on the minus strand). VCF-style: chr10-99718364-C-A. GRCh37 (hg19) VCF-style: chr10-101478121-C-A.
Other names: c.969G>T, p.Gln323His (NM_001320974.2, NM_001372024.1, NM_001372025.1 and 2 more transcripts); c.432G>T, p.Gln144His (NM_001320976.2); c.942G>T, p.Gln314His (NM_001372026.1); c.833-1903G>T (NM_001372028.1, NM_001320975.2); short protein forms Q144H, Q314H, Q323H.
Identifiers: ClinVar variation 1803545 (VCV001803545.1), dbSNP rs747635630, ClinGen allele CA378102011.